The following is an entry in ClinVar:

ClinVar aggregate classification (germline): Likely benign. Review status: criteria provided, multiple submitters, no conflicts (2 of 4 stars). 2 submissions from 2 submitters: Likely benign (2). Last evaluated 2025-02-18.

Conditions:
Fanconi anemia complementation group O. Also called: RAD51C-Related Fanconi Anemia. Identifiers: Orphanet 84, MedGen C3150653, MONDO:0013248, OMIM 613390.
Breast-ovarian cancer, familial, susceptibility to, 3. Also called: RAD51C-Related Breast/Ovarian Cancer. Identifiers: Orphanet 145, MedGen C3150659, MONDO:0013253, OMIM 613399.

Submissions (2):

Myriad Genetics, Inc.
Classification: Likely benign for Breast-ovarian cancer, familial, susceptibility to, 3. Last evaluated: 2025-02-18. Review status: criteria provided, single submitter. Criteria: Myriad Autosomal Dominant, Autosomal Recessive and X-Linked Classification Criteria (2023). Collection method: clinical testing. Allele origin: unknown.
Comment: This variant is considered likely benign. This variant is intronic and is not expected to impact mRNA splicing.

Labcorp Genetics (formerly Invitae), Labcorp
Classification: Likely benign for Fanconi anemia complementation group O. Last evaluated: 2024-05-08. Review status: criteria provided, single submitter. Criteria: Invitae Variant Classification Sherloc (09022015). Collection method: clinical testing. Allele origin: germline.

NM_058216.3(RAD51C):c.405-16A>G

Gene: RAD51C (RAD51 paralog C; plus strand). Cytogenetic location: 17q22.
Variant type: single nucleotide variant.
Coding change: c.405-16A>G on transcript NM_058216.3 (MANE Select); 16 bases into the intron before coding-DNA position 405, A replaced by G.
Molecular consequence: intron variant.
Genome position (GRCh38, 1-based): chr17:58,696,677, A>G. VCF-style: chr17-58696677-A-G. GRCh37 (hg19) VCF-style: chr17-56774038-A-G.
Identifiers: ClinVar variation 1612609 (VCV001612609.9), dbSNP rs2048019846, ClinGen allele CA2573154415.
Genomic context (GRCh38, chr17:58,696,677, plus strand): 5'-GTCATTATCTGGAGTTCAAAAACACTACCTTAGATCATCATCATGATTTGGTTGTTTGTC[A>G]TCTTTCTGTTGACAGTATGCAGTTGGCAGTAGATGTGCAGATACCAGAATGTTTTGGAGG-3'